The following is an entry in ClinVar:

ClinVar aggregate classification (germline): Uncertain significance (1 of 4 stars; one submission).

Conditions:
Baraitser-winter syndrome 2. Identifiers: Orphanet 2995, MedGen C3281235, MONDO:0013812, OMIM 614583.

Submission:

Dasa
Classification: Uncertain significance for Baraitser-winter syndrome 2. Last evaluated: 2025-07-21. Review status: criteria provided, single submitter. Criteria: DASA Assertion Criteria. Collection method: clinical testing. Allele origin: germline.
Comment: NM_001614.5(ACTG1):c.824A>C (p.His275Pro) is a missense variant that results in the substitution of histidine with proline. This variant is absent from population databases. Computational prediction algorithms are consistent with a deleterious effect. The currently available literature and clinical evidence are not sufficient to establish a definitive association between this variant and the reported condition. Therefore, this variant is classified as a variant of uncertain significance.

NM_001614.5(ACTG1):c.824A>C (p.His275Pro)

Gene: ACTG1 (actin gamma 1; minus strand). Cytogenetic location: 17q25.3.
Variant type: single nucleotide variant.
Coding change: c.824A>C on transcript NM_001614.5 (MANE Select); coding-DNA position 824, A replaced by C.
Protein change: p.His275Pro; replaces histidine 275 with proline.
Molecular consequence: missense variant. On other transcripts: non-coding transcript variant (1).
Genome position (GRCh38, 1-based): chr17:81,511,087, T>G on the plus strand (A>C on the coding strand, the complement: ACTG1 is on the minus strand). VCF-style: chr17-81511087-T-G. GRCh37 (hg19) VCF-style: chr17-79478113-T-G.
Other names: c.824A>C, p.His275Pro (NM_001199954.3); short protein forms H275P.
Identifiers: ClinVar variation 4883393 (VCV004883393.2).